The following is an entry in ClinVar:

ClinVar aggregate classification (germline): Uncertain significance (1 of 4 stars; one submission).

Conditions:
Gingival disorder. Also called: Gingival disease. Identifiers: MedGen C0017563, MONDO:0002021.

Allele frequency attached by ClinVar (database versions not stated): TOPMed below 0.00001; ExAC 0.00001; gnomAD 0.00001.

Submission:

Labcorp Genetics (formerly Invitae), Labcorp
Classification: Uncertain significance for Gingival disorder. Last evaluated: 2021-03-26. Review status: criteria provided, single submitter. Criteria: Invitae Variant Classification Sherloc (09022015). Collection method: clinical testing. Allele origin: germline.
Comment: This sequence change replaces histidine with proline at codon 136 of the FPR1 protein (p.His136Pro). The histidine residue is highly conserved and there is a moderate physicochemical difference between histidine and proline. This variant is present in population databases (rs775451540, ExAC 0.001%). This variant has not been reported in the literature in individuals with FPR1-related conditions. Algorithms developed to predict the effect of missense changes on protein structure and function are either unavailable or do not agree on the potential impact of this missense change (SIFT: "Deleterious"; PolyPhen-2: "Probably Damaging"; Align-GVGD: "Class C0"). In summary, the available evidence is currently insufficient to determine the role of this variant in disease. Therefore, it has been classified as a Variant of Uncertain Significance.

NM_002029.4(FPR1):c.407A>C (p.His136Pro)

Gene: FPR1 (formyl peptide receptor 1; minus strand). Cytogenetic location: 19q13.41.
Variant type: single nucleotide variant.
Coding change: c.407A>C on transcript NM_002029.4 (MANE Select); coding-DNA position 407, A replaced by C.
Protein change: p.His136Pro; replaces histidine 136 with proline.
Molecular consequence: missense variant.
Genome position (GRCh38, 1-based): chr19:51,746,588, T>G on the plus strand (A>C on the coding strand, the complement: FPR1 is on the minus strand). VCF-style: chr19-51746588-T-G. GRCh37 (hg19) VCF-style: chr19-52249841-T-G.
Other names: c.407A>C, p.His136Pro (NM_001193306.2); short protein forms H136P.
Identifiers: ClinVar variation 1056255 (VCV001056255.10), dbSNP rs775451540, ClinGen allele CA9616472.